The following is an entry in ClinVar:

ClinVar aggregate classification (germline): Likely benign (1 of 4 stars; one submission).

Submission:

CeGaT Center for Human Genetics Tuebingen
Classification: Likely benign. Last evaluated: 2025-12-01. Review status: criteria provided, single submitter. Criteria: CeGaT Center For Human Genetics Tuebingen Variant Classification Criteria Version 2. Collection method: clinical testing. Allele origin: germline. Affected: yes. Observed: 1 variant allele.
Comment: IFI27L2: BP4, BP7

NM_032036.3(IFI27L2):c.102C>T (p.Ala34=)

Gene: IFI27L2 (interferon alpha inducible protein 27 like 2; minus strand). Cytogenetic location: 14q32.12.
Variant type: single nucleotide variant.
Coding change: c.102C>T on transcript NM_032036.3 (MANE Select); coding-DNA position 102, C replaced by T.
Protein change: p.Ala34=; no amino-acid change (alanine 34 retained).
Molecular consequence: synonymous variant.
Genome position (GRCh38, 1-based): chr14:94,128,611, G>A on the plus strand (C>T on the coding strand, the complement: IFI27L2 is on the minus strand). VCF-style: chr14-94128611-G-A. GRCh37 (hg19) VCF-style: chr14-94594948-G-A.
Identifiers: ClinVar variation 4681284 (VCV004681284.5).